The following is an entry in ClinVar:

ClinVar aggregate classification (germline): Uncertain significance (1 of 4 stars; one submission).

Submission:

GeneDx
Classification: Uncertain significance. Last evaluated: 2024-05-15. Review status: criteria provided, single submitter. Criteria: GeneDx Variant Classification Process June 2021. Collection method: clinical testing. Allele origin: germline. Affected: yes.
Comment: Not observed at significant frequency in large population cohorts (gnomAD); In silico analysis indicates that this missense variant does not alter protein structure/function; Has not been previously published as pathogenic or benign to our knowledge

NM_022841.7(RFX7):c.2724C>G (p.Asn908Lys)

Gene: RFX7 (regulatory factor X7; minus strand). Cytogenetic location: 15q21.3.
Variant type: single nucleotide variant.
Coding change: c.2724C>G on transcript NM_022841.7 (MANE Select); coding-DNA position 2724, C replaced by G.
Protein change: p.Asn908Lys; replaces asparagine 908 with lysine.
Molecular consequence: missense variant.
Genome position (GRCh38, 1-based): chr15:56,095,004, G>C on the plus strand (C>G on the coding strand, the complement: RFX7 is on the minus strand). VCF-style: chr15-56095004-G-C. GRCh37 (hg19) VCF-style: chr15-56387202-G-C.
Other names: c.2433C>G, p.Asn811Lys (NM_001368073.2, NM_001368074.1, NM_001370554.1); c.2724C>G, p.Asn908Lys (NM_001370561.1); short protein forms N811K, N908K.
Identifiers: ClinVar variation 3377897 (VCV003377897.1).